The following is an entry in ClinVar:

NM_004744.5(LRAT):c.461A>G (p.Tyr154Cys)

Gene: LRAT (lecithin retinol acyltransferase; plus strand). Cytogenetic location: 4q32.1.
Variant type: single nucleotide variant.
Coding change: c.461A>G on transcript NM_004744.5 (MANE Select); coding-DNA position 461, A replaced by G.
Protein change: p.Tyr154Cys; replaces tyrosine 154 with cysteine.
Molecular consequence: missense variant.
Genome position (GRCh38, 1-based): chr4:154,744,787, A>G. VCF-style: chr4-154744787-A-G. GRCh37 (hg19) VCF-style: chr4-155665939-A-G.
Other names: c.461A>G, p.Tyr154Cys (NM_001301645.2); short protein forms Y154C.
Identifiers: ClinVar variation 1371126 (VCV001371126.6), dbSNP rs1470351055, ClinGen allele CA358630736.

ClinVar aggregate classification (germline): Uncertain significance (1 of 4 stars; one submission).

gnomAD v4.1: 1 of 1,614,098 alleles (0.000062%); highest among the groups gnomAD compares: South Asian, 0.0011%; no homozygotes.

Submission:

Labcorp Genetics (formerly Invitae), Labcorp
Classification: Uncertain significance. Last evaluated: 2025-12-03. Review status: criteria provided, single submitter. Criteria: Invitae Variant Classification Sherloc (09022015). Collection method: clinical testing. Allele origin: germline.
Comment: This sequence change replaces tyrosine, which is neutral and polar, with cysteine, which is neutral and slightly polar, at codon 154 of the LRAT protein (p.Tyr154Cys). This variant is not present in population databases (gnomAD no frequency). This missense change has been observed in individual(s) with retinal dystrophy (internal data). ClinVar contains an entry for this variant (Variation ID: 1371126). An algorithm developed to predict the effect of missense changes on protein structure and function (PolyPhen-2) suggests that this variant is likely to be disruptive. In summary, the available evidence is currently insufficient to determine the role of this variant in disease. Therefore, it has been classified as a Variant of Uncertain Significance.